The following is an entry in ClinVar:

ClinVar aggregate classification (germline): Uncertain significance (1 of 4 stars; one submission).

Conditions:
Primary ciliary dyskinesia. Also called: Ciliary dyskinesia. Identifiers: Orphanet 244, MedGen C0008780, MONDO:0016575, HP:0012265.

Submissions (2):

Labcorp Genetics (formerly Invitae), Labcorp
Classification: Uncertain significance for Primary ciliary dyskinesia. Last evaluated: 2024-04-03. Review status: criteria provided, single submitter. Criteria: Invitae Variant Classification Sherloc (09022015). Collection method: clinical testing. Allele origin: germline.
Comment: This sequence change replaces aspartic acid, which is acidic and polar, with glycine, which is neutral and non-polar, at codon 688 of the RPGR protein (p.Asp688Gly). This variant is not present in population databases (gnomAD no frequency). This variant has not been reported in the literature in individuals affected with RPGR-related conditions. Advanced modeling of protein sequence and biophysical properties (such as structural, functional, and spatial information, amino acid conservation, physicochemical variation, residue mobility, and thermodynamic stability) performed at Invitae indicates that this missense variant is not expected to disrupt RPGR protein function with a negative predictive value of 95%. In summary, the available evidence is currently insufficient to determine the role of this variant in disease. Therefore, it has been classified as a Variant of Uncertain Significance.

Dr. Peter K. Rogan Lab, Western University
No classification provided (evidence only). Condition: Thyroid cancer, nonmedullary, 1. Review status: no classification provided. Collection method: in vitro. Allele origin: not applicable. Functional consequence: retained intron. Not counted in ClinVar's aggregate classification.

NC_000023.11:g.38276615T>C

Gene: RPGR (retinitis pigmentosa GTPase regulator; minus strand). Cytogenetic location: Xp11.4.
Variant type: single nucleotide variant.
Molecular consequence: missense variant (on NM_000328.3). On other transcripts: non-coding transcript variant (6).
Genome position: GRCh38 VCF-style: chrX-38276615-T-C. GRCh37 (hg19) VCF-style: chrX-38135868-T-C.
Other names: c.2063A>G, p.Asp688Gly (NM_000328.3); c.2060A>G, p.Asp687Gly (NM_001367245.1); c.1877A>G, p.Asp626Gly (NM_001367246.1); c.1730A>G, p.Asp577Gly (NM_001367247.1); c.1760A>G, p.Asp587Gly (NM_001367248.1); c.1727A>G, p.Asp576Gly (NM_001367249.1, NM_001367250.1); c.1544A>G, p.Asp515Gly (NM_001367251.1); short protein forms D688G, D626G, D515G, D576G, D577G, D587G, D687G.
Identifiers: ClinVar variation 3675252 (VCV003675252.3).